The following is an entry in ClinVar:

ClinVar aggregate classification (germline): Uncertain significance. Review status: criteria provided, multiple submitters, no conflicts (2 of 4 stars). 3 submissions from 3 submitters: Uncertain significance (3). Last evaluated 2024-11-24.

Conditions:
Cardiovascular phenotype. Identifiers: MedGen CN230736.
Arrhythmogenic right ventricular cardiomyopathy (ARVD). Also called: Cardiomyopathy, ARVC; Arrhythmogenic right ventricular dysplasia; Arrhythmogenic cardiomyopathy; Arrhythmogenic Right Ventricular Cardiomyopathy (ARVC). Identifiers: Orphanet 247, MedGen C0349788, MeSH D019571, MONDO:0016587. Disease mechanism: loss of function. Inheritance: Various modes of inheritance.
Arrhythmogenic right ventricular dysplasia 9 (ARVD9). Also called: Arrhythmogenic Right Ventricular Dysplasia/Cardiomyopathy 9; ARRHYTHMOGENIC RIGHT VENTRICULAR DYSPLASIA, FAMILIAL, 9. Identifiers: MedGen C1836906, MONDO:0012180, OMIM 609040.

gnomAD v4.1: 5 of 1,613,732 alleles (0.00031%); highest among the groups gnomAD compares: Non-Finnish European, 0.00042%; no homozygotes.

Submissions (3):

Labcorp Genetics (formerly Invitae), Labcorp
Classification: Uncertain significance for Arrhythmogenic right ventricular dysplasia 9. Last evaluated: 2024-11-24. Review status: criteria provided, single submitter. Criteria: Invitae Variant Classification Sherloc (09022015). Collection method: clinical testing. Allele origin: germline.
Comment: This sequence change replaces proline, which is neutral and non-polar, with threonine, which is neutral and polar, at codon 717 of the PKP2 protein (p.Pro717Thr). This variant is not present in population databases (gnomAD no frequency). This variant has not been reported in the literature in individuals affected with PKP2-related conditions. ClinVar contains an entry for this variant (Variation ID: 1786689). An algorithm developed to predict the effect of missense changes on protein structure and function (PolyPhen-2) suggests that this variant is likely to be disruptive. In summary, the available evidence is currently insufficient to determine the role of this variant in disease. Therefore, it has been classified as a Variant of Uncertain Significance.

All of Us Research Program, National Institutes of Health
Classification: Uncertain significance for Arrhythmogenic right ventricular cardiomyopathy. Last evaluated: 2023-06-26. Review status: criteria provided, single submitter. Criteria: ACMG Guidelines, 2015. Collection method: clinical testing. Allele origin: germline. Inheritance: Autosomal dominant inheritance. Observed: 1 variant allele, 1 heterozygote.
Comment: This missense variant replaces proline with threonine at codon 717 of the PKP2 protein. Computational prediction suggests that this variant may not impact protein structure and function (internally defined REVEL score threshold <= 0.5, PMID: 27666373). To our knowledge, functional studies have not been reported for this variant. This variant has not been reported in individuals affected with PKP2-related disorders in the literature. This variant has not been identified in the general population by the Genome Aggregation Database (gnomAD). The available evidence is insufficient to determine the role of this variant in disease conclusively. Therefore, this variant is classified as a Variant of Uncertain Significance.

This study involves interpretation of variants in research participants for the purpose of population health screening. Participant phenotype was not available at the time of variant classification. Additional details can be found in publication PMID: 35346344, PMCID: PMC8962531

Ambry Genetics
Classification: Uncertain significance for Cardiovascular phenotype. Last evaluated: 2022-08-24. Review status: criteria provided, single submitter. Criteria: Ambry Variant Classification Scheme 2023. Collection method: clinical testing. Allele origin: germline.
Comment: The p.P717T variant (also known as c.2149C>A), located in coding exon 11 of the PKP2 gene, results from a C to A substitution at nucleotide position 2149. The proline at codon 717 is replaced by threonine, an amino acid with highly similar properties. This amino acid position is conserved. In addition, the in silico prediction for this alteration is inconclusive. Since supporting evidence is limited at this time, the clinical significance of this alteration remains unclear.

NM_001005242.3(PKP2):c.2017C>A (p.Pro673Thr)

Gene: PKP2 (plakophilin 2; minus strand). Cytogenetic location: 12p11.21.
Variant type: single nucleotide variant.
Coding change: c.2017C>A on transcript NM_001005242.3 (MANE Select); coding-DNA position 2017, C replaced by A.
Protein change: p.Pro673Thr; replaces proline 673 with threonine.
Molecular consequence: missense variant.
Genome position (GRCh38, 1-based): chr12:32,802,553, G>T on the plus strand (C>A on the coding strand, the complement: PKP2 is on the minus strand). VCF-style: chr12-32802553-G-T. GRCh37 (hg19) VCF-style: chr12-32955487-G-T.
Other names: c.2017C>A, p.Pro673Thr (NM_001407155.1); c.1852C>A, p.Pro618Thr (NM_001407156.1); c.1690C>A, p.Pro564Thr (NM_001407158.1, NM_001407159.1, NM_001407160.1); c.2149C>A, p.Pro717Thr (NM_004572.4); short protein forms P618T, P564T, P673T, P717T.
Identifiers: ClinVar variation 1786689 (VCV001786689.5), dbSNP rs757205704, ClinGen allele CA384360079.